The following is an entry in ClinVar:

ClinVar aggregate classification (germline): Conflicting classifications of pathogenicity. Review status: criteria provided, conflicting classifications (1 of 4 stars). 3 submissions from 3 submitters: Uncertain significance (2); Likely benign (1). Last evaluated 2024-01-08.

Conditions:
LAMB2-related infantile-onset nephrotic syndrome. Also called: NEPHROTIC SYNDROME, TYPE 5, WITHOUT OCULAR ABNORMALITIES; NEPHROTIC SYNDROME, TYPE 5, WITH OCULAR ABNORMALITIES; Nephrotic Syndrome, type 5. Identifiers: Orphanet 306507, MedGen C3280113, MONDO:0013621, OMIM 614199.
Pierson syndrome. Also called: MICROCORIA-CONGENITAL NEPHROTIC SYNDROME. Identifiers: Orphanet 2670, MedGen C1836876, MONDO:0012184, OMIM 609049.
Inborn genetic diseases. Identifiers: MedGen C0950123, MeSH D030342.

Allele frequency attached by ClinVar (database versions not stated): gnomAD 0.00001; gnomAD exomes 0.00001 and 0.00004; TOPMed 0.00001; ExAC 0.00002.
gnomAD v4.1: 9 of 1,614,158 alleles (0.00056%); highest among the groups gnomAD compares: Admixed American, 0.012%; no homozygotes.

Submissions (3):

Fulgent Genetics
Classification: Uncertain significance for Pierson syndrome; LAMB2-related infantile-onset nephrotic syndrome. Last evaluated: 2024-01-08. Review status: criteria provided, single submitter. Criteria: ACMG Guidelines, 2015. Collection method: clinical testing. Allele origin: germline.

Labcorp Genetics (formerly Invitae), Labcorp
Classification: Uncertain significance for LAMB2-related infantile-onset nephrotic syndrome; Pierson syndrome. Last evaluated: 2022-08-16. Review status: criteria provided, single submitter. Criteria: Invitae Variant Classification Sherloc (09022015). Collection method: clinical testing. Allele origin: germline.
Comment: In summary, the available evidence is currently insufficient to determine the role of this variant in disease. Therefore, it has been classified as a Variant of Uncertain Significance. This sequence change replaces serine, which is neutral and polar, with proline, which is neutral and non-polar, at codon 597 of the LAMB2 protein (p.Ser597Pro). Algorithms developed to predict the effect of missense changes on protein structure and function output the following: SIFT: "Tolerated"; PolyPhen-2: "Benign"; Align-GVGD: "Class C0". The proline amino acid residue is found in multiple mammalian species, which suggests that this missense change does not adversely affect protein function. ClinVar contains an entry for this variant (Variation ID: 1371031). This variant has not been reported in the literature in individuals affected with LAMB2-related conditions. This variant is present in population databases (rs764346736, gnomAD 0.02%).

Ambry Genetics
Classification: Likely benign for Inborn genetic diseases. Last evaluated: 2022-02-02. Review status: criteria provided, single submitter. Criteria: Ambry Variant Classification Scheme 2023. Collection method: clinical testing. Allele origin: germline.

NM_002292.4(LAMB2):c.1789T>C (p.Ser597Pro)

Gene: LAMB2 (laminin subunit beta 2; minus strand). Cytogenetic location: 3p21.31.
Variant type: single nucleotide variant.
Coding change: c.1789T>C on transcript NM_002292.4 (MANE Select); coding-DNA position 1789, T replaced by C.
Protein change: p.Ser597Pro; replaces serine 597 with proline.
Molecular consequence: missense variant.
Genome position (GRCh38, 1-based): chr3:49,128,762, A>G on the plus strand (T>C on the coding strand, the complement: LAMB2 is on the minus strand). VCF-style: chr3-49128762-A-G. GRCh37 (hg19) VCF-style: chr3-49166195-A-G.
Other names: c.1789T>C (NM_002292.3); short protein forms S597P.
Identifiers: ClinVar variation 1371031 (VCV001371031.11), dbSNP rs764346736, ClinGen allele CA2394493.